The following is an entry in ClinVar:

ClinVar aggregate classification (germline): Pathogenic (1 of 4 stars; one submission).

Conditions:
Arrhythmogenic right ventricular dysplasia 8 (ARVD8). Also called: Arrhythmogenic Right Ventricular Dysplasia/Cardiomyopathy 8; ARRHYTHMOGENIC RIGHT VENTRICULAR DYSPLASIA, FAMILIAL, 8; ARRHYTHMOGENIC RIGHT VENTRICULAR CARDIOMYOPATHY 8. Identifiers: MedGen C1843896, MONDO:0011831, OMIM 607450.
Arrhythmogenic cardiomyopathy with wooly hair and keratoderma. Also called: Arrhythmogenic cardiomyopathy with woolly hair and keratoderma; Carvajal syndrome; Dilated cardiomyopathy with woolly hair and keratoderma; PALMOPLANTAR KERATODERMA WITH LEFT VENTRICULAR CARDIOMYOPATHY AND WOOLLY HAIR. Identifiers: Orphanet 65282, MedGen C1854063, MONDO:0011581, OMIM 605676.

Submission:

Labcorp Genetics (formerly Invitae), Labcorp
Classification: Pathogenic for Arrhythmogenic cardiomyopathy with wooly hair and keratoderma; Arrhythmogenic right ventricular dysplasia 8. Last evaluated: 2024-03-16. Review status: criteria provided, single submitter. Criteria: Invitae Variant Classification Sherloc (09022015). Collection method: clinical testing. Allele origin: germline.
Comment: This sequence change creates a premature translational stop signal (p.Met729Alafs*8) in the DSP gene. It is expected to result in an absent or disrupted protein product. Loss-of-function variants in DSP are known to be pathogenic (PMID: 20716751, 24503780, 25227139). This variant is not present in population databases (gnomAD no frequency). This variant has not been reported in the literature in individuals affected with DSP-related conditions. For these reasons, this variant has been classified as Pathogenic.

Literature cited by the submitters: PubMed 20716751; PubMed 24503780; PubMed 25227139.

NM_004415.4(DSP):c.2185_2186del (p.Met729fs)

Gene: DSP (desmoplakin; plus strand). Cytogenetic location: 6p24.3.
Variant type: Microsatellite.
Coding change: c.2185_2186del on transcript NM_004415.4 (MANE Select); coding-DNA positions 2185 to 2186, 2 bases deleted (AT; older notation c.2185_2186delAT).
Protein change: p.Met729fs; shifts the reading frame from methionine 729.
Molecular consequence: frameshift variant.
Genome position (GRCh38, 1-based): chr6:7,574,140-7,574,141, AT deleted; deleting any 2 consecutive bases within chr6:7,574,138-7,574,141 gives the same sequence; the c. name uses the placement nearest the transcript's 3' end. VCF-style (leftmost placement, unchanged base first): chr6-7574137-GAT-G. GRCh37 (hg19) VCF-style: chr6-7574370-GAT-G.
Other names: c.2185_2186del, p.Met729fs (NM_001008844.3, NM_001319034.2); short protein forms M729fs.
Identifiers: ClinVar variation 2921702 (VCV002921702.3), dbSNP rs2533903370, ClinGen allele CA2740094230.